The following is an entry in ClinVar:

NM_001127671.2(LIFR):c.143-37GT[16]

Gene: LIFR (LIF receptor subunit alpha; minus strand). Cytogenetic location: 5p13.1.
Variant type: Microsatellite.
Coding change: c.143-37GT[16] on transcript NM_001127671.2 (MANE Select); 16 copies in a row of the 2-base unit GT starting at c.143-37; the reference has 14 copies in a row; two copies, 4 bases duplicated.
Molecular consequence: intron variant.
Genome position (GRCh38, 1-based): chr5:38,528,850-38,528,853, ACAC duplicated on the plus strand (GTGT on the coding strand, the reverse complement: LIFR is on the minus strand); duplicating any 4 consecutive bases within chr5:38,528,850-38,528,878 gives the same sequence; the position shown is the placement nearest the transcript's 3' end. VCF-style (leftmost placement, unchanged base first): chr5-38528849-G-GACAC. GRCh37 (hg19) VCF-style: chr5-38528951-G-GACAC.
Other names: c.143-13_143-10dup (NM_002310.6); c.143-37GT[16] (NM_002310.6, NM_001364298.2, NM_001364297.2).
Identifiers: ClinVar variation 1164570 (VCV001164570.32), dbSNP rs10637374, ClinGen allele CA3243314.

ClinVar aggregate classification (germline): Benign. Review status: criteria provided, multiple submitters, no conflicts (2 of 4 stars). 7 submissions from 7 submitters: Benign (5). 2 of the submissions do not count toward it. Last evaluated 2025-11-10.

Conditions:
Stüve-Wiedemann syndrome 1. Also called: STUVE-WIEDEMANN/SCHWARTZ-JAMPEL TYPE 2 SYNDROME. Identifiers: Orphanet 3206, MedGen C5676888, MONDO:0800043, OMIM 601559.
Connective tissue disorder. Also called: Connective tissue disease. Identifiers: MedGen C0009782, MONDO:0003900.
LIFR-related disorder. Also called: LIFR-related condition.
Stuve-Wiedemann syndrome (STWS). Also called: Stüve-Wiedemann syndrome. Identifiers: Orphanet 3206, MedGen C0796176, MONDO:0031280.

Submissions (7):

Labcorp Genetics (formerly Invitae), Labcorp
Classification: Benign. Last evaluated: 2025-11-10. Review status: criteria provided, single submitter. Criteria: Invitae Variant Classification Sherloc (09022015). Collection method: clinical testing. Allele origin: germline.

ARUP Laboratories, Molecular Genetics and Genomics, ARUP Laboratories
Classification: Benign for Stüve-Wiedemann syndrome 1. Last evaluated: 2025-04-09. Review status: criteria provided, single submitter. Criteria: ARUP Molecular Germline Variant Investigation Process 2024. Collection method: clinical testing. Allele origin: germline.

Genome Diagnostics Laboratory, The Hospital for Sick Children
Classification: Benign for Connective tissue disorder. Last evaluated: 2022-06-30. Review status: criteria provided, single submitter. Criteria: ACMG Guidelines, 2015. Collection method: clinical testing. Allele origin: germline.

Fulgent Genetics
Classification: Benign for Stüve-Wiedemann syndrome 1. Last evaluated: 2021-10-08. Review status: criteria provided, single submitter. Criteria: ACMG Guidelines, 2015. Collection method: clinical testing. Allele origin: unknown.

GeneDx
Classification: Benign. Last evaluated: 2019-10-04. Review status: criteria provided, single submitter. Criteria: GeneDx Variant Classification Process June 2021. Collection method: clinical testing. Allele origin: germline. Affected: yes.

Natera, Inc.
Classification: Benign for Stuve-Wiedemann syndrome. Last evaluated: 2019-09-27. Review status: no assertion criteria provided. Collection method: clinical testing. Allele origin: germline. Not counted in ClinVar's aggregate classification.

PreventionGenetics, part of Exact Sciences
Classification: Benign for LIFR-related condition. Last evaluated: 2019-04-08. Review status: no assertion criteria provided. Collection method: clinical testing. Allele origin: germline. Not counted in ClinVar's aggregate classification.
Comment: This variant is classified as benign based on ACMG/AMP sequence variant interpretation guidelines (Richards et al. 2015 PMID: 25741868, with internal and published modifications).